The following is an entry in ClinVar:

ClinVar aggregate classification (germline): Uncertain significance (1 of 4 stars; one submission).

Allele frequency attached by ClinVar (database versions not stated): gnomAD exomes below 0.00001; gnomAD 0.00001; TOPMed 0.00002; ExAC 0.00004; 1000 Genomes Project 30x 0.00016; 1000 Genomes Project 0.00020.
gnomAD v4.1: 7 of 1,614,170 alleles (0.00043%); highest among the groups gnomAD compares: East Asian, 0.011%; no homozygotes.

Submission:

Labcorp Genetics (formerly Invitae), Labcorp
Classification: Uncertain significance. Last evaluated: 2021-12-24. Review status: criteria provided, single submitter. Criteria: Invitae Variant Classification Sherloc (09022015). Collection method: clinical testing. Allele origin: germline.
Comment: This sequence change replaces glutamic acid, which is acidic and polar, with aspartic acid, which is acidic and polar, at codon 497 of the OCA2 protein (p.Glu497Asp). This variant is present in population databases (rs141015793, gnomAD 0.04%). This variant has not been reported in the literature in individuals affected with OCA2-related conditions. Advanced modeling of protein sequence and biophysical properties (such as structural, functional, and spatial information, amino acid conservation, physicochemical variation, residue mobility, and thermodynamic stability) performed at Invitae indicates that this missense variant is not expected to disrupt OCA2 protein function. In summary, the available evidence is currently insufficient to determine the role of this variant in disease. Therefore, it has been classified as a Variant of Uncertain Significance.

NM_000275.3(OCA2):c.1491G>C (p.Glu497Asp)

Gene: OCA2 (OCA2 melanosomal transmembrane protein; minus strand). Cytogenetic location: 15q13.1.
Variant type: single nucleotide variant.
Coding change: c.1491G>C on transcript NM_000275.3 (MANE Select); coding-DNA position 1491, G replaced by C.
Protein change: p.Glu497Asp; replaces glutamic acid 497 with aspartic acid.
Molecular consequence: missense variant.
Genome position (GRCh38, 1-based): chr15:27,983,357, C>G on the plus strand (G>C on the coding strand, the complement: OCA2 is on the minus strand). VCF-style: chr15-27983357-C-G. GRCh37 (hg19) VCF-style: chr15-28228503-C-G.
Other names: c.1419G>C, p.Glu473Asp (NM_001300984.2); short protein forms E473D, E497D.
Identifiers: ClinVar variation 1964584 (VCV001964584.2), dbSNP rs141015793, ClinGen allele CA7439025.